The following is an entry in ClinVar:

ClinVar aggregate classification (germline): Uncertain significance (1 of 4 stars; one submission).

Conditions:
Hermansky-Pudlak syndrome 2 (HPS2). Also called: Platelet defects and oculocutaneous albinism. Identifiers: Orphanet 183678, Orphanet 79430, MedGen C1842362, MONDO:0011997, OMIM 608233.

Allele frequency attached by ClinVar (database versions not stated): gnomAD exomes below 0.00001; ExAC 0.00001.
gnomAD v4.1: 6 of 1,614,080 alleles (0.00037%); highest among the groups gnomAD compares: South Asian, 0.0066%; no homozygotes.

Submission:

Labcorp Genetics (formerly Invitae), Labcorp
Classification: Uncertain significance for Hermansky-Pudlak syndrome 2. Last evaluated: 2023-11-28. Review status: criteria provided, single submitter. Criteria: Invitae Variant Classification Sherloc (09022015). Collection method: clinical testing. Allele origin: germline.
Comment: This sequence change replaces isoleucine, which is neutral and non-polar, with threonine, which is neutral and polar, at codon 245 of the AP3B1 protein (p.Ile245Thr). This variant is present in population databases (rs753890496, gnomAD 0.003%). This variant has not been reported in the literature in individuals affected with AP3B1-related conditions. ClinVar contains an entry for this variant (Variation ID: 1479495). An algorithm developed to predict the effect of missense changes on protein structure and function (PolyPhen-2) suggests that this variant¬†is likely to be tolerated. In summary, the available evidence is currently insufficient to determine the role of this variant in disease. Therefore, it has been classified as a Variant of Uncertain Significance.

NM_003664.5(AP3B1):c.734T>C (p.Ile245Thr)

Gene: AP3B1 (adaptor related protein complex 3 subunit beta 1; minus strand). Cytogenetic location: 5q14.1.
Variant type: single nucleotide variant.
Coding change: c.734T>C on transcript NM_003664.5 (MANE Select); coding-DNA position 734, T replaced by C.
Protein change: p.Ile245Thr; replaces isoleucine 245 with threonine.
Molecular consequence: missense variant.
Genome position (GRCh38, 1-based): chr5:78,216,107, A>G on the plus strand (T>C on the coding strand, the complement: AP3B1 is on the minus strand). VCF-style: chr5-78216107-A-G. GRCh37 (hg19) VCF-style: chr5-77511931-A-G.
Other names: c.587T>C, p.Ile196Thr (NM_001271769.2); short protein forms I196T, I245T.
Identifiers: ClinVar variation 1479495 (VCV001479495.4), dbSNP rs753890496, ClinGen allele CA3317300.